The following is an entry in ClinVar:

ClinVar aggregate classification (germline): Benign/Likely benign. Review status: criteria provided, multiple submitters, no conflicts (2 of 4 stars). 3 submissions from 3 submitters: Benign (1); Likely benign (2). Last evaluated 2026-08-01.

Allele frequency attached by ClinVar (database versions not stated): gnomAD exomes 0.00099; ExAC 0.00129; gnomAD 0.00373 and 0.00397; TOPMed 0.00411; ESP Exome Variant Server 0.00469; 1000 Genomes Project 0.00479; 1000 Genomes Project 30x 0.00484.
gnomAD v4.1: 1,099 of 1,612,786 alleles (0.068%); highest among the groups gnomAD compares: African/African-American, 1.3%; 4 homozygotes.

Submissions (3):

CeGaT Center for Human Genetics Tuebingen
Classification: Likely benign. Last evaluated: 2026-08-01. Review status: criteria provided, single submitter. Criteria: CeGaT Center For Human Genetics Tuebingen Variant Classification Criteria Version 2. Collection method: clinical testing. Allele origin: germline. Affected: yes. Observed: 2 variant alleles.
Comment: MTHFD1: BP4, BP7, BS1

Labcorp Genetics (formerly Invitae), Labcorp
Classification: Benign. Last evaluated: 2026-02-01. Review status: criteria provided, single submitter. Criteria: Invitae Variant Classification Sherloc (09022015). Collection method: clinical testing. Allele origin: germline.

Blueprint Genetics
Classification: Likely benign. Last evaluated: 2024-11-26. Review status: criteria provided, single submitter. Criteria: ACMG Guidelines, 2015. Collection method: clinical testing. Allele origin: germline.

NM_005956.4(MTHFD1):c.1561T>C (p.Leu521=)

Gene: MTHFD1 (methylenetetrahydrofolate dehydrogenase, cyclohydrolase and formyltetrahydrofolate synthetase 1; plus strand). Cytogenetic location: 14q23.3.
Variant type: single nucleotide variant.
Coding change: c.1561T>C on transcript NM_005956.4 (MANE Select); coding-DNA position 1561, T replaced by C.
Protein change: p.Leu521=; no amino-acid change (leucine 521 retained).
Molecular consequence: synonymous variant.
Genome position (GRCh38, 1-based): chr14:64,435,635, T>C. VCF-style: chr14-64435635-T-C. GRCh37 (hg19) VCF-style: chr14-64902353-T-C.
Other names: c.1561T>C, p.Leu521= (NM_001364837.1).
Identifiers: ClinVar variation 730416 (VCV000730416.14), dbSNP rs114860208, ClinGen allele CA7226287.